The following is an entry in ClinVar:

NM_020247.5(COQ8A):c.503C>A (p.Ser168Tyr)

Gene: COQ8A (coenzyme Q8A; plus strand). Cytogenetic location: 1q42.13.
Variant type: single nucleotide variant.
Coding change: c.503C>A on transcript NM_020247.5 (MANE Select); coding-DNA position 503, C replaced by A.
Protein change: p.Ser168Tyr; replaces serine 168 with tyrosine.
Molecular consequence: missense variant.
Genome position (GRCh38, 1-based): chr1:226,965,325, C>A. VCF-style: chr1-226965325-C-A. GRCh37 (hg19) VCF-style: chr1-227153026-C-A.
Other names: short protein forms S168Y.
Identifiers: ClinVar variation 1441197 (VCV001441197.5), dbSNP rs748206532, ClinGen allele CA1425023.
Genomic context (GRCh38, chr1:226,965,325, plus strand): 5'-ACCCCAGAGACTCATTCTCTGCCATGGGCTTTCAGCGAAGGTTCTTCCACCAGGACCAAT[C>A]CCCTGTTGGGGGCCTCACAGCCGAGGACATTGAGAAGGCCCGGCAGGCTAAGGCTCGCCC-3'
Protein context (NP_064632.2, residues 158-178): FQRRFFHQDQ[Ser168Tyr]PVGGLTAEDI

ClinVar aggregate classification (germline): Uncertain significance (1 of 4 stars; one submission).

Allele frequency attached by ClinVar (database versions not stated): gnomAD 0.00001; gnomAD exomes 0.00001 and 0.00002; TOPMed 0.00001; ExAC 0.00003.
gnomAD v4.1: 13 of 1,613,552 alleles (0.00081%); highest among the groups gnomAD compares: East Asian, 0.027%; no homozygotes.

Submission:

Labcorp Genetics (formerly Invitae), Labcorp
Classification: Uncertain significance. Last evaluated: 2021-09-01. Review status: criteria provided, single submitter. Criteria: Invitae Variant Classification Sherloc (09022015). Collection method: clinical testing. Allele origin: germline.
Comment: This sequence change replaces serine with tyrosine at codon 168 of the COQ8A protein (p.Ser168Tyr). The serine residue is highly conserved and there is a large physicochemical difference between serine and tyrosine. This variant is present in population databases (rs748206532, ExAC 0.04%). This variant has not been reported in the literature in individuals affected with COQ8A-related conditions. Advanced modeling of protein sequence and biophysical properties (such as structural, functional, and spatial information, amino acid conservation, physicochemical variation, residue mobility, and thermodynamic stability) performed at Invitae indicates that this missense variant is not expected to disrupt COQ8A protein function. In summary, the available evidence is currently insufficient to determine the role of this variant in disease. Therefore, it has been classified as a Variant of Uncertain Significance.